The following is an entry in ClinVar:

ClinVar aggregate classification (germline): Benign (1 of 4 stars; one submission).

Conditions:
Papillary renal cell carcinoma type 1 (RCCP1). Also called: RENAL CELL CARCINOMA, PAPILLARY, 1, SOMATIC; Renal adenocarcinoma; Renal cell carcinoma 1; Renal cell carcinoma, somatic. Identifiers: Orphanet 47044, MedGen C1336839, OMIM 605074, HP:0011797.

Allele frequency attached by ClinVar (database versions not stated): gnomAD exomes 0.00032; gnomAD 0.00160 and 0.00165; 1000 Genomes Project 30x 0.00172; TOPMed 0.00176; 1000 Genomes Project 0.00180.
gnomAD v4.1: 264 of 209,842 alleles (0.13%); highest among the groups gnomAD compares: African/African-American, 0.56%; 2 homozygotes.

Submission:

Illumina Laboratory Services, Illumina
Classification: Benign for Papillary renal cell carcinoma type 1. Last evaluated: 2018-01-13. Review status: criteria provided, single submitter. Criteria: ICSL Variant Classification Criteria 13 December 2019. Collection method: clinical testing. Allele origin: germline.
Comment: This variant was observed in the ICSL laboratory as part of a predisposition screen in an ostensibly healthy population. It had not been previously curated by ICSL or reported in the Human Gene Mutation Database (HGMD: prior to June 1st, 2018), and was therefore a candidate for classification through an automated scoring system. Utilizing variant allele frequency, disease prevalence and penetrance estimates, and inheritance mode, an automated score was calculated to assess if this variant is too frequent to cause the disease. Based on the score and internal cut-off values, a variant classified as benign is not then subjected to further curation. The score for this variant resulted in a classification of benign for this disease.

NM_000245.4(MET):c.*2100C>T

Gene: MET (MET proto-oncogene, receptor tyrosine kinase; plus strand). Cytogenetic location: 7q31.2.
Variant type: single nucleotide variant.
Coding change: c.*2100C>T on transcript NM_000245.4 (MANE Select); 2100 bases downstream of the stop codon, C replaced by T.
Molecular consequence: 3 prime UTR variant.
Genome position (GRCh38, 1-based): chr7:116,798,224, C>T. VCF-style: chr7-116798224-C-T. GRCh37 (hg19) VCF-style: chr7-116438278-C-T.
Other names: c.*2100C>T (NM_001127500.3, NM_001324402.2).
Identifiers: ClinVar variation 912197 (VCV000912197.4), dbSNP rs190739281, ClinGen allele CA165451238.